The following is an entry in ClinVar:

ClinVar aggregate classification (germline): Uncertain significance (1 of 4 stars; one submission).

Submission:

Labcorp Genetics (formerly Invitae), Labcorp
Classification: Uncertain significance. Last evaluated: 2025-04-28. Review status: criteria provided, single submitter. Criteria: Invitae Variant Classification Sherloc (09022015). Collection method: clinical testing. Allele origin: germline.
Comment: This sequence change falls in intron 9 of the DUOX2 gene. It does not directly change the encoded amino acid sequence of the DUOX2 protein. This variant is present in population databases (rs544711818, gnomAD 0.01%). This variant has not been reported in the literature in individuals affected with DUOX2-related conditions. Algorithms developed to predict the effect of sequence changes on RNA splicing suggest that this variant may disrupt the consensus splice site. In summary, the available evidence is currently insufficient to determine the role of this variant in disease. Therefore, it has been classified as a Variant of Uncertain Significance.

NM_001363711.2(DUOX2):c.1041-7A>G

Gene: DUOX2 (dual oxidase 2; minus strand). Cytogenetic location: 15q21.1.
Variant type: single nucleotide variant.
Coding change: c.1041-7A>G on transcript NM_001363711.2 (MANE Select); 7 bases into the intron before coding-DNA position 1041, A replaced by G.
Molecular consequence: intron variant.
Genome position (GRCh38, 1-based): chr15:45,109,987, T>C on the plus strand (A>G on the coding strand, the complement: DUOX2 is on the minus strand). VCF-style: chr15-45109987-T-C. GRCh37 (hg19) VCF-style: chr15-45402185-T-C.
Other names: c.1041-7A>G (NM_014080.5).
Identifiers: ClinVar variation 4695040 (VCV004695040.1).